The following is an entry in ClinVar:

NM_181552.4(CUX1):c.3011T>G (p.Leu1004Arg)

Gene: CUX1 (cut like homeobox 1; plus strand). Cytogenetic location: 7q22.1.
Variant type: single nucleotide variant.
Coding change: c.3011T>G on transcript NM_181552.4 (MANE Select); coding-DNA position 3011, T replaced by G.
Protein change: p.Leu1004Arg; replaces leucine 1004 with arginine.
Molecular consequence: missense variant. On other transcripts: intron variant (5).
Genome position (GRCh38, 1-based): chr7:102,204,494, T>G. VCF-style: chr7-102204494-T-G. GRCh37 (hg19) VCF-style: chr7-101847774-T-G.
Other names: c.3044T>G, p.Leu1015Arg (NM_001202543.2); c.1255+8891T>G (NM_001913.5); c.1249+8891T>G (NM_181500.4); c.1117+8891T>G (NM_001202545.3); c.1207+8891T>G (NM_001202544.3); c.1138+8891T>G (NM_001202546.3); short protein forms L1004R, L1015R.
Identifiers: ClinVar variation 3774176 (VCV003774176.1).

ClinVar aggregate classification (germline): Uncertain significance (1 of 4 stars; one submission).

Submission:

GeneDx
Classification: Uncertain significance. Last evaluated: 2024-09-18. Review status: criteria provided, single submitter. Criteria: GeneDx Variant Classification Process June 2021. Collection method: clinical testing. Allele origin: germline. Affected: yes.
Comment: Not observed at significant frequency in large population cohorts (gnomAD); In silico analysis supports that this missense variant has a deleterious effect on protein structure/function; Has not been previously published as pathogenic or benign to our knowledge